The following is an entry in ClinVar:

ClinVar aggregate classification (germline): Uncertain significance (1 of 4 stars; one submission).

gnomAD v4.1: 1 of 1,584,822 alleles (0.000063%); no homozygotes.

Submission:

Labcorp Genetics (formerly Invitae), Labcorp
Classification: Uncertain significance. Last evaluated: 2023-11-08. Review status: criteria provided, single submitter. Criteria: Invitae Variant Classification Sherloc (09022015). Collection method: clinical testing. Allele origin: germline.
Comment: This sequence change replaces proline, which is neutral and non-polar, with leucine, which is neutral and non-polar, at codon 1385 of the ALPK3 protein (p.Pro1385Leu). This variant is not present in population databases (gnomAD no frequency). This variant has not been reported in the literature in individuals affected with ALPK3-related conditions. Advanced modeling of protein sequence and biophysical properties (such as structural, functional, and spatial information, amino acid conservation, physicochemical variation, residue mobility, and thermodynamic stability) performed at Invitae indicates that this missense variant is expected to disrupt ALPK3 protein function with a positive predictive value of 80%. In summary, the available evidence is currently insufficient to determine the role of this variant in disease. Therefore, it has been classified as a Variant of Uncertain Significance.

NM_020778.5(ALPK3):c.3548C>T (p.Pro1183Leu)

Gene: ALPK3 (alpha kinase 3; plus strand). Cytogenetic location: 15q25.3.
Variant type: single nucleotide variant.
Coding change: c.3548C>T on transcript NM_020778.5 (MANE Select); coding-DNA position 3548, C replaced by T.
Protein change: p.Pro1183Leu; replaces proline 1183 with leucine.
Molecular consequence: missense variant.
Genome position (GRCh38, 1-based): chr15:84,858,286, C>T. VCF-style: chr15-84858286-C-T. GRCh37 (hg19) VCF-style: chr15-85401517-C-T.
Other names: short protein forms P1183L.
Identifiers: ClinVar variation 2873721 (VCV002873721.3), dbSNP rs1963894195, ClinGen allele CA393360485.